The following is an entry in ClinVar:

NM_206933.4(USH2A):c.8456C>A (p.Thr2819Asn)

Gene: USH2A (usherin; minus strand). Cytogenetic location: 1q41.
Variant type: single nucleotide variant.
Coding change: c.8456C>A on transcript NM_206933.4 (MANE Select); coding-DNA position 8456, C replaced by A.
Protein change: p.Thr2819Asn; replaces threonine 2819 with asparagine.
Molecular consequence: missense variant.
Genome position (GRCh38, 1-based): chr1:215,878,866, G>T on the plus strand (C>A on the coding strand, the complement: USH2A is on the minus strand). VCF-style: chr1-215878866-G-T. GRCh37 (hg19) VCF-style: chr1-216052208-G-T.
Other names: short protein forms T2819N.
Identifiers: ClinVar variation 1034553 (VCV001034553.6), dbSNP rs894122981, ClinGen allele CA37433833.

ClinVar aggregate classification (germline): Uncertain significance (1 of 4 stars; one submission).

Allele frequency attached by ClinVar (database versions not stated): gnomAD 0.00002 and 0.00003; TOPMed 0.00004.
gnomAD v4.1: 3 of 1,613,922 alleles (0.00019%); highest among the groups gnomAD compares: African/African-American, 0.004%; no homozygotes.

Submission:

Labcorp Genetics (formerly Invitae), Labcorp
Classification: Uncertain significance. Last evaluated: 2024-10-24. Review status: criteria provided, single submitter. Criteria: Invitae Variant Classification Sherloc (09022015). Collection method: clinical testing. Allele origin: germline.
Comment: This sequence change replaces threonine, which is neutral and polar, with asparagine, which is neutral and polar, at codon 2819 of the USH2A protein (p.Thr2819Asn). This variant is present in population databases (no rsID available, gnomAD 0.01%). This missense change has been observed in individual(s) with retinitis pigmentosa (PMID: 36819107). ClinVar contains an entry for this variant (Variation ID: 1034553). Invitae Evidence Modeling of protein sequence and biophysical properties (such as structural, functional, and spatial information, amino acid conservation, physicochemical variation, residue mobility, and thermodynamic stability) indicates that this missense variant is not expected to disrupt USH2A protein function with a negative predictive value of 95%. In summary, the available evidence is currently insufficient to determine the role of this variant in disease. Therefore, it has been classified as a Variant of Uncertain Significance.

Literature cited by the submitters: PubMed 36819107.